The following is an entry in ClinVar:

NM_000038.6(APC):c.1548+298A>T

Gene: APC (APC regulator of WNT signaling pathway; plus strand). Cytogenetic location: 5q22.2.
Variant type: single nucleotide variant.
Coding change: c.1548+298A>T on transcript NM_000038.6 (MANE Select); 298 bases into the intron after coding-DNA position 1548, A replaced by T.
Molecular consequence: intron variant.
Genome position (GRCh38, 1-based): chr5:112,827,545, A>T. VCF-style: chr5-112827545-A-T. GRCh37 (hg19) VCF-style: chr5-112163242-A-T.
Other names: c.1548+298A>T (NM_001354895.2, NM_001127510.3); c.1578+298A>T (NM_001354897.2); c.1275+298A>T (NM_001354902.2); c.1494+298A>T (NM_001127511.3); c.1473+298A>T (NM_001354898.2); c.1170+298A>T (NM_001354904.2); c.699+298A>T (NM_001354906.2); c.1602+298A>T (NM_001354896.2); and 5 more.
Identifiers: ClinVar variation 83159 (VCV000083159.2), dbSNP rs75941845, ClinGen allele CA005288.

ClinVar aggregate classification (germline): other (0 of 4 stars; one submission).

Conditions:
Familial colorectal cancer. Identifiers: MedGen CN280943, MONDO:0023113. Disease mechanism: loss of function.

Submission:

Systems Biology Platform Zhejiang California International NanoSystems Institute
Classification: other for Familial colorectal cancer. Review status: no assertion criteria provided. Collection method: not provided. Allele origin: unknown.
ClinVar note: Converted during submission from cancer to other.